The following is an entry in ClinVar:

NM_007035.4(KERA):c.528C>G (p.Asn176Lys)

Gene: KERA (keratocan; minus strand). Cytogenetic location: 12q21.33.
Variant type: single nucleotide variant.
Coding change: c.528C>G on transcript NM_007035.4 (MANE Select); coding-DNA position 528, C replaced by G.
Protein change: p.Asn176Lys; replaces asparagine 176 with lysine.
Molecular consequence: missense variant.
Genome position (GRCh38, 1-based): chr12:91,055,754, G>C on the plus strand (C>G on the coding strand, the complement: KERA is on the minus strand). VCF-style: chr12-91055754-G-C. GRCh37 (hg19) VCF-style: chr12-91449531-G-C.
Other names: short protein forms N176K.
Identifiers: ClinVar variation 4531440 (VCV004531440.1).

ClinVar aggregate classification (germline): Likely pathogenic (1 of 4 stars; one submission).

Conditions:
Cornea plana 2 (CNA2). Also called: CORNEA PLANA 2, AUTOSOMAL RECESSIVE. Identifiers: Orphanet 53691, MedGen C1857574, MONDO:0009014, OMIM 217300.

gnomAD v4.1: 31 of 1,611,292 alleles (0.0019%); highest among the groups gnomAD compares: South Asian, 0.033%; no homozygotes.

Submission:

Victorian Clinical Genetics Services, Murdoch Childrens Research Institute
Classification: Likely pathogenic for Cornea plana 2. Last evaluated: 2025-09-19. Review status: criteria provided, single submitter. Criteria: ACMG Guidelines, 2015. Collection method: clinical testing. Allele origin: germline. Affected: yes.
Comment: This variant is classified as Likely pathogenic. Evidence in support of pathogenic classification: Variant is present in gnomAD <0.01 for a recessive condition (v4: 31 heterozygote(s), 0 homozygote(s)); This variant has limited previous evidence of pathogenicity in an unrelated individual(s). This variant has been reported in the literature in two homozygous siblings with KERA-related features (PMID: 32830442); Variant is located in the well-established L-X-X-L-X-L-X-X-N-X-L motif of the leucine rich repeat domain (DECIPHER). Additional information: Variant is predicted to result in a missense amino acid change from Asn to Lys; This variant is homozygous; This gene is associated with autosomal recessive disease; Alternative amino acid change(s) at the same position are present in gnomAD (Highest allele count: v4: 8 heterozygote(s), 0 homozygote(s)); No published functional evidence has been identified for this variant; No comparable missense variants have previous evidence for pathogenicity; Missense variant with inconclusive in silico prediction and uninformative conservation; Loss of function is a known mechanism of disease in this gene and is associated with cornea plana 2, autosomal recessive (MIM#217300).

Literature cited by the submitters: PubMed 32830442.